The following is an entry in ClinVar:

NM_000417.3(IL2RA):c.256+4A>C

Gene: IL2RA (interleukin 2 receptor subunit alpha; minus strand). Cytogenetic location: 10p15.1.
Variant type: single nucleotide variant.
Coding change: c.256+4A>C on transcript NM_000417.3 (MANE Select); 4 bases into the intron after coding-DNA position 256, A replaced by C.
Molecular consequence: intron variant.
Genome position (GRCh38, 1-based): chr10:6,025,830, T>G on the plus strand (A>C on the coding strand, the complement: IL2RA is on the minus strand). VCF-style: chr10-6025830-T-G. GRCh37 (hg19) VCF-style: chr10-6067793-T-G.
Other names: c.256+4A>C (NM_001308243.2, NM_001308242.2).
Identifiers: ClinVar variation 2115607 (VCV002115607.4), dbSNP rs2539649610, ClinGen allele CA2580081310.

ClinVar aggregate classification (germline): Uncertain significance (1 of 4 stars; one submission).

Conditions:
Immunodeficiency due to CD25 deficiency. Also called: IL2RA DEFICIENCY; IMMUNODEFICIENCY 41 WITH LYMPHOPROLIFERATION AND AUTOIMMUNITY; CD25 DEFICIENCY. Identifiers: Orphanet 169100, MedGen C1853392, MONDO:0011664, OMIM 606367.

Allele frequency attached by ClinVar (database versions not stated): gnomAD exomes below 0.00001.
gnomAD v4.1: 2 of 1,614,052 alleles (0.00012%); highest among the groups gnomAD compares: Non-Finnish European, 0.00017%; no homozygotes.

Submission:

Labcorp Genetics (formerly Invitae), Labcorp
Classification: Uncertain significance for Immunodeficiency due to CD25 deficiency. Last evaluated: 2022-11-28. Review status: criteria provided, single submitter. Criteria: Invitae Variant Classification Sherloc (09022015). Collection method: clinical testing. Allele origin: germline.
Comment: This sequence change falls in intron 2 of the IL2RA gene. It does not directly change the encoded amino acid sequence of the IL2RA protein. It affects a nucleotide within the consensus splice site. This variant is not present in population databases (gnomAD no frequency). In summary, the available evidence is currently insufficient to determine the role of this variant in disease. Therefore, it has been classified as a Variant of Uncertain Significance. Variants that disrupt the consensus splice site are a relatively common cause of aberrant splicing (PMID: 17576681, 9536098). Algorithms developed to predict the effect of sequence changes on RNA splicing suggest that this variant is not likely to affect RNA splicing. This variant has not been reported in the literature in individuals affected with IL2RA-related conditions.

Literature cited by the submitters: PubMed 17576681; PubMed 9536098.